The following is an entry in ClinVar:

ClinVar aggregate classification (germline): Conflicting classifications of pathogenicity. Review status: criteria provided, conflicting classifications (1 of 4 stars). 2 submissions from 2 submitters: Uncertain significance (1); Benign (1). Last evaluated 2024-04-22.

Conditions:
Emery-Dreifuss muscular dystrophy 5, autosomal dominant (EDMD5). Also called: EMERY-DREIFUSS MUSCULAR DYSTROPHY 5. Identifiers: Orphanet 261, MedGen C2751805, MONDO:0013072, OMIM 612999.

Allele frequency attached by ClinVar (database versions not stated): ExAC 0.00003; gnomAD 0.00004; gnomAD exomes 0.00004 and 0.00013; TOPMed 0.00005; ESP Exome Variant Server 0.00008; 1000 Genomes Project 30x 0.00016; 1000 Genomes Project 0.00020.
gnomAD v4.1: 190 of 1,614,208 alleles (0.012%); highest among the groups gnomAD compares: Non-Finnish European, 0.016%; no homozygotes.

Submissions (3):

Labcorp Genetics (formerly Invitae), Labcorp
Classification: Uncertain significance for Emery-Dreifuss muscular dystrophy 5, autosomal dominant. Last evaluated: 2024-04-22. Review status: criteria provided, single submitter. Criteria: Invitae Variant Classification Sherloc (09022015). Collection method: clinical testing. Allele origin: germline.
Comment: This sequence change replaces asparagine, which is neutral and polar, with serine, which is neutral and polar, at codon 6363 of the SYNE2 protein (p.Asn6363Ser). This variant is present in population databases (rs199566869, gnomAD 0.01%). This variant has not been reported in the literature in individuals affected with SYNE2-related conditions. ClinVar contains an entry for this variant (Variation ID: 313646). An algorithm developed to predict the effect of missense changes on protein structure and function (PolyPhen-2) suggests that this variant is likely to be disruptive. In summary, the available evidence is currently insufficient to determine the role of this variant in disease. Therefore, it has been classified as a Variant of Uncertain Significance.

Illumina Laboratory Services, Illumina
Classification: Benign for Emery-Dreifuss muscular dystrophy 5, autosomal dominant. Last evaluated: 2018-01-13. Review status: criteria provided, single submitter. Criteria: ICSL Variant Classification Criteria 13 December 2019. Collection method: clinical testing. Allele origin: germline.
Comment: This variant was observed in the ICSL laboratory as part of a predisposition screen in an ostensibly healthy population. It had not been previously curated by ICSL or reported in the Human Gene Mutation Database (HGMD: prior to June 1st, 2018), and was therefore a candidate for classification through an automated scoring system. Utilizing variant allele frequency, disease prevalence and penetrance estimates, and inheritance mode, an automated score was calculated to assess if this variant is too frequent to cause the disease. Based on the score and internal cut-off values, a variant classified as benign is not then subjected to further curation. The score for this variant resulted in a classification of benign for this disease.

Seelig Lab, University of Washington
No classification provided (evidence only). Review status: no classification provided. Collection method: in vitro. Allele origin: not applicable. Functional consequence: effect on translation. Not counted in ClinVar's aggregate classification.
ClinVar note: "not provided" was previously submitted as the classification for the variant. However, the classification appeared to be based only on an observation of functional data so it was converted to no classification on 2025-07-30.

NM_182914.3(SYNE2):c.19088A>G (p.Asn6363Ser)

Gene: SYNE2 (spectrin repeat containing nuclear envelope protein 2; plus strand). Cytogenetic location: 14q23.2.
Variant type: single nucleotide variant.
Coding change: c.19088A>G on transcript NM_182914.3 (MANE Select); coding-DNA position 19088, A replaced by G.
Protein change: p.Asn6363Ser; replaces asparagine 6363 with serine.
Molecular consequence: missense variant. On other transcripts: 5 prime UTR variant (1).
Genome position (GRCh38, 1-based): chr14:64,214,225, A>G. VCF-style: chr14-64214225-A-G. GRCh37 (hg19) VCF-style: chr14-64680943-A-G.
Other names: c.19088A>G, p.Asn6363Ser (NM_015180.6); c.-11A>G (NM_182913.4); short protein forms N6363S.
Identifiers: ClinVar variation 313646 (VCV000313646.14), dbSNP rs199566869, ClinGen allele CA7224321.